The following is an entry in ClinVar:

NM_001267550.2(TTN):c.45916G>A (p.Glu15306Lys)

Gene: TTN (titin; minus strand). Cytogenetic location: 2q31.2.
Variant type: single nucleotide variant.
Coding change: c.45916G>A on transcript NM_001267550.2 (MANE Select); coding-DNA position 45916, G replaced by A.
Protein change: p.Glu15306Lys; replaces glutamic acid 15306 with lysine.
Molecular consequence: missense variant.
Genome position (GRCh38, 1-based): chr2:178,620,605, C>T on the plus strand (G>A on the coding strand, the complement: TTN is on the minus strand). VCF-style: chr2-178620605-C-T. GRCh37 (hg19) VCF-style: chr2-179485332-C-T.
Other names: c.40993G>A, p.Glu13665Lys (NM_001256850.1); c.18721G>A, p.Glu6241Lys (NM_003319.4); c.38212G>A, p.Glu12738Lys (NM_133378.4); c.19096G>A, p.Glu6366Lys (NM_133432.3); c.19297G>A, p.Glu6433Lys (NM_133437.4); c.45916G>A (NM_001267550.1); short protein forms E15306K, E12738K, E6241K, E13665K, E6366K, E6433K.
Identifiers: ClinVar variation 535167 (VCV000535167.13), dbSNP rs774339883, ClinGen allele CA1995334.
Genomic context (GRCh38, chr2:178,620,605, plus strand): 5'-TCACCTTGCACCAGAATGTGACAGATTTCTTCTCCATTGTTTCAATATCTTTAAGAGGCT[C>T]AACAATCCTAAGGTCTTCCTCTGTTGTAAAGGAGAAAAATATGTTGATTTTAATTATTTT-3'
Protein context (NP_001254479.2, residues 15296-15316): IVEEEDLRIV[Glu15306Lys]PLKDIETMEK

ClinVar aggregate classification (germline): Uncertain significance. Review status: criteria provided, multiple submitters, no conflicts (2 of 4 stars). 5 submissions from 5 submitters: Uncertain significance (5). Last evaluated 2026-04-17.

Conditions:
Dilated cardiomyopathy 1G (CMD1G). Identifiers: Orphanet 154, MedGen C1858763, MONDO:0011400, OMIM 604145.
Autosomal recessive limb-girdle muscular dystrophy type 2J (LGMDR10). Also called: Limb-girdle muscular dystrophy, type 2J; MUSCULAR DYSTROPHY, LIMB-GIRDLE, AUTOSOMAL RECESSIVE 10. Identifiers: Orphanet 140922, MedGen C1837342, MONDO:0012127, OMIM 608807.
Cardiovascular phenotype. Identifiers: MedGen CN230736.

Allele frequency attached by ClinVar (database versions not stated): TOPMed below 0.00001; gnomAD 0.00001; gnomAD exomes 0.00001 and 0.00004; ExAC 0.00002.
gnomAD v4.1: 61 of 1,609,354 alleles (0.0038%); highest among the groups gnomAD compares: Non-Finnish European, 0.0051%; no homozygotes.

Submissions (5):

Women's Health and Genetics/Laboratory Corporation of America, LabCorp
Classification: Uncertain significance. Last evaluated: 2026-04-17. Review status: criteria provided, single submitter. Criteria: LabCorp Variant Classification Summary - May 2015. Collection method: clinical testing. Allele origin: germline.
Comment: Variant summary: TTN c.38212G>A (p.Glu12738Lys) results in a conservative amino acid change in the encoded protein sequence. Algorithms developed to predict the effect of missense changes on protein structure and function are either unavailable or do not agree on the potential impact of this missense change. The variant allele was found at a frequency of 1.2e-05 in 244330 control chromosomes. The available data on variant occurrences in the general population are insufficient to allow any conclusion about variant significance. c.38212G>A has been observed in at least one individual affected with Dilated Cardiomyopathy (e.g. Mazzarotto_2020). This report does not provide unequivocal conclusions about association of the variant with Dilated Cardiomyopathy or other TTN-related conditions. To our knowledge, no experimental evidence demonstrating an impact on protein function has been reported. The following publication has been ascertained in the context of this evaluation (PMID: 31983221). ClinVar contains an entry for this variant (Variation ID: 535167). Based on the evidence outlined above, the variant was classified as uncertain significance.

GeneDx
Classification: Uncertain significance. Last evaluated: 2025-01-10. Review status: criteria provided, single submitter. Criteria: GeneDx Variant Classification Process June 2021. Collection method: clinical testing. Allele origin: germline. Affected: yes.
Comment: Reported in association with dilated cardiomyopathy; however, clinical details were not provided (PMID: 31983221); Not observed at significant frequency in large population cohorts (gnomAD); Missense variant in a gene in which most reported pathogenic variants are truncating/loss-of-function; This variant is associated with the following publications: (PMID: 31983221)

Ambry Genetics
Classification: Uncertain significance for Cardiovascular phenotype. Last evaluated: 2019-07-15. Review status: criteria provided, single submitter. Criteria: Ambry Variant Classification Scheme 2023. Collection method: clinical testing. Allele origin: germline.
Comment: The p.E6241K variant (also known as c.18721G>A), located in coding exon 75 of the TTN gene, results from a G to A substitution at nucleotide position 18721. The glutamic acid at codon 6241 is replaced by lysine, an amino acid with similar properties. This amino acid position is well conserved in available vertebrate species. In addition, this alteration is predicted to be tolerated by in silico analysis. Since supporting evidence is limited at this time, the clinical significance of this alteration remains unclear.

Eurofins Ntd Llc (ga)
Classification: Uncertain significance. Last evaluated: 2018-01-19. Review status: criteria provided, single submitter. Criteria: EGL Classification Definitions 2015. Collection method: clinical testing. Allele origin: germline. Observed: 1 variant allele, 1 heterozygote.

Labcorp Genetics (formerly Invitae), Labcorp
Classification: Uncertain significance for Dilated cardiomyopathy 1G; Autosomal recessive limb-girdle muscular dystrophy type 2J. Last evaluated: 2017-09-05. Review status: criteria provided, single submitter. Criteria: Invitae Variant Classification Sherloc (09022015). Collection method: clinical testing. Allele origin: germline.

Literature cited by the submitters: PubMed 31983221 (cited by Women's Health and Genetics/Laboratory Corporation of America, LabCorp).